The following is an entry in ClinVar:

ClinVar aggregate classification (germline): Benign/Likely benign. Review status: criteria provided, multiple submitters, no conflicts (2 of 4 stars). 3 submissions from 3 submitters: Benign (1); Likely benign (2). Last evaluated 2024-11-07.

Conditions:
Hereditary cancer-predisposing syndrome. Also called: Neoplastic Syndromes, Hereditary; Hereditary Cancer Syndrome; Tumor predisposition; Hereditary neoplastic syndrome. Identifiers: Orphanet 140162, MedGen C0027672, MeSH D009386, MONDO:0015356.
Renal cell carcinoma. Identifiers: Orphanet 217071, MedGen C0007134, MeSH D002292, MONDO:0005086, HP:0005584.
Papillary renal cell carcinoma type 1 (RCCP1). Also called: RENAL CELL CARCINOMA, PAPILLARY, 1, SOMATIC; Renal adenocarcinoma; Renal cell carcinoma 1; Renal cell carcinoma, somatic. Identifiers: Orphanet 47044, MedGen C1336839, OMIM 605074, HP:0011797.

Allele frequency attached by ClinVar (database versions not stated): gnomAD exomes 0.00001.
gnomAD v4.1: 3 of 1,613,908 alleles (0.00019%); highest among the groups gnomAD compares: Non-Finnish European, 0.00025%; no homozygotes.

Submissions (3):

Myriad Genetics, Inc.
Classification: Benign for Papillary renal cell carcinoma type 1. Last evaluated: 2024-11-07. Review status: criteria provided, single submitter. Criteria: Myriad Autosomal Dominant, Autosomal Recessive and X-Linked Classification Criteria (2023). Collection method: clinical testing. Allele origin: unknown.
Comment: This variant is considered benign. This variant is a silent/synonymous amino acid change and it is not expected to impact splicing.

Labcorp Genetics (formerly Invitae), Labcorp
Classification: Likely benign for Renal cell carcinoma. Last evaluated: 2022-12-09. Review status: criteria provided, single submitter. Criteria: Invitae Variant Classification Sherloc (09022015). Collection method: clinical testing. Allele origin: germline.

Ambry Genetics
Classification: Likely benign for Hereditary cancer-predisposing syndrome. Last evaluated: 2021-10-14. Review status: criteria provided, single submitter. Criteria: Ambry Variant Classification Scheme 2023. Collection method: clinical testing. Allele origin: germline.

NM_000245.4(MET):c.1639C>A (p.Arg547=)

Gene: MET (MET proto-oncogene, receptor tyrosine kinase; plus strand). Cytogenetic location: 7q31.2.
Variant type: single nucleotide variant.
Coding change: c.1639C>A on transcript NM_000245.4 (MANE Select); coding-DNA position 1639, C replaced by A.
Protein change: p.Arg547=; no amino-acid change (arginine 547 retained).
Molecular consequence: synonymous variant.
Genome position (GRCh38, 1-based): chr7:116,740,963, C>A. VCF-style: chr7-116740963-C-A. GRCh37 (hg19) VCF-style: chr7-116381017-C-A.
Other names: c.1639C>A, p.Arg547= (NM_001127500.3, NM_001324401.3); c.349C>A, p.Arg117= (NM_001324402.2).
Identifiers: ClinVar variation 771650 (VCV000771650.14), dbSNP rs1047795344, ClinGen allele CA457215612.